The following is an entry in ClinVar:

NM_016203.4(PRKAG2):c.1020A>G (p.Glu340=)

Gene: PRKAG2 (protein kinase AMP-activated non-catalytic subunit gamma 2; minus strand). Cytogenetic location: 7q36.1.
Variant type: single nucleotide variant.
Coding change: c.1020A>G on transcript NM_016203.4 (MANE Select); coding-DNA position 1020, A replaced by G.
Protein change: p.Glu340=; no amino-acid change (glutamic acid 340 retained).
Molecular consequence: synonymous variant.
Genome position (GRCh38, 1-based): chr7:151,572,695, T>C on the plus strand (A>G on the coding strand, the complement: PRKAG2 is on the minus strand). VCF-style: chr7-151572695-T-C. GRCh37 (hg19) VCF-style: chr7-151269781-T-C.
Other names: p.Glu340=; c.888A>G, p.Glu296= (NM_001040633.2); c.645A>G, p.Glu215= (NM_001304527.2); c.297A>G, p.Glu99= (NM_001304531.2, NM_024429.2); c.648A>G, p.Glu216= (NM_001363698.2).
Identifiers: ClinVar variation 382593 (VCV000382593.15), dbSNP rs770773856, ClinGen allele CA053124.
Genomic context (GRCh38, chr7:151,572,695, plus strand): 5'-AAAGATTTTAAACATCCAATAGTGCTTACCCCTCCATGTTTCAATTTTATGTTCCTCTAA[T>C]TCATAAATCTGTACCTGCAAATAAAAAAATTCTTATTTATAAATATACATATACAACATA-3'
Protein context (NP_057287.2, residues 330-350): YYKSPMVQIY[Glu340=]LEEHKIETWR

ClinVar aggregate classification (germline): Likely benign. Review status: criteria provided, multiple submitters, no conflicts (2 of 4 stars). 6 submissions from 6 submitters: Likely benign (6). Last evaluated 2025-05-12.

Conditions:
Cardiovascular phenotype. Identifiers: MedGen CN230736.
Cardiomyopathy (CMYO). Also called: Cardiomyopathies. Identifiers: Orphanet 167848, MedGen C0878544, MONDO:0004994, HP:0001638. Inheritance: Various modes of inheritance.
Lethal congenital glycogen storage disease of heart. Also called: PHOSPHORYLASE KINASE DEFICIENCY OF HEART; GLYCOGEN STORAGE DISEASE OF HEART. Identifiers: Orphanet 439854, MedGen C1849813, MONDO:0009867, OMIM 261740.
Hypertrophic cardiomyopathy. Also called: HYPERTROPHIC MYOCARDIOPATHY. Identifiers: Orphanet 217569, MedGen C0007194, MeSH D002312, MONDO:0005045, HP:0001639.

Allele frequency attached by ClinVar (database versions not stated): TOPMed below 0.00001; ExAC 0.00001; gnomAD exomes 0.00001.
gnomAD v4.1: 10 of 1,594,344 alleles (0.00063%); highest among the groups gnomAD compares: East Asian, 0.0022%; no homozygotes.

Submissions (6):

Mayo Clinic Laboratories, Mayo Clinic
Classification: Likely benign. Last evaluated: 2025-05-12. Review status: criteria provided, single submitter. Criteria: ACMG Guidelines, 2015. Collection method: clinical testing. Allele origin: germline. Observed: 1 variant allele.
Comment: BP4, BP7

Labcorp Genetics (formerly Invitae), Labcorp
Classification: Likely benign for Lethal congenital glycogen storage disease of heart. Last evaluated: 2024-05-31. Review status: criteria provided, single submitter. Criteria: Invitae Variant Classification Sherloc (09022015). Collection method: clinical testing. Allele origin: germline.

Ambry Genetics
Classification: Likely benign for Cardiovascular phenotype. Last evaluated: 2023-08-22. Review status: criteria provided, single submitter. Criteria: Ambry Variant Classification Scheme 2023. Collection method: clinical testing. Allele origin: germline.

All of Us Research Program, National Institutes of Health
Classification: Likely benign for Hypertrophic cardiomyopathy. Last evaluated: 2023-08-15. Review status: criteria provided, single submitter. Criteria: ACMG Guidelines, 2015. Collection method: clinical testing. Allele origin: germline. Inheritance: Autosomal dominant inheritance. Observed: 3 variant alleles, 3 heterozygotes.
Comment: This study involves interpretation of variants in research participants for the purpose of population health screening. Participant phenotype was not available at the time of variant classification. Additional details can be found in publication PMID: 35346344, PMCID: PMC8962531

Color Diagnostics, LLC DBA Color Health
Classification: Likely benign for Cardiomyopathy. Last evaluated: 2019-06-10. Review status: criteria provided, single submitter. Criteria: ACMG Guidelines, 2015. Collection method: clinical testing. Allele origin: germline.

GeneDx
Classification: Likely benign. Last evaluated: 2015-12-29. Review status: criteria provided, single submitter. Criteria: GeneDx Variant Classification (06012015). Collection method: clinical testing. Allele origin: germline. Affected: yes.
Comment: This variant is considered likely benign or benign based on one or more of the following criteria: it is a conservative change, it occurs at a poorly conserved position in the protein, it is predicted to be benign by multiple in silico algorithms, and/or has population frequency not consistent with disease.